The following continues an entry in ClinVar:

NM_004168.4(SDHA):c.1660C>T (p.Arg554Trp)

Gene: SDHA. ClinVar aggregate classification (germline): Likely pathogenic. Likely pathogenic (12).

Submissions 11 to 14 of 14:

Victorian Clinical Genetics Services, Murdoch Childrens Research Institute
Classification: Likely pathogenic for Mitochondrial complex II deficiency, nuclear type 1. Last evaluated: 2023-07-16. Review status: criteria provided, single submitter. Criteria: ACMG Guidelines, 2015. Collection method: clinical testing. Allele origin: germline. Inheritance: Autosomal recessive inheritance. Affected: yes.
Comment: Based on the classification scheme VCGS_Germline_v1.3.4, this variant is classified as Likely pathogenic. Following criteria are met: 0102 - Loss of function is a known mechanism of disease in this gene and is associated with SDHA-related disorders. (I) 0108 - This gene is associated with both recessive and dominant disease (OMIM). (I) 0112 - Variants in this gene are known to have reduced penetrance for paragangliomas 5 (PMID: 29978154). (I) 0200 - Variant is predicted to result in a missense amino acid change from arginine to tryptophan. (I) 0251 - This variant is heterozygous. (I) 0304 - Variant is present in gnomAD <0.01 (v2: 10 heterozygotes, 0 homozygotes). (SP) 0309 - An alternative amino acid change at the same position has been observed in gnomAD (v2: 74 heterozygotes, 1 homozygote). (I) 0501 - Missense variant consistently predicted to be damaging by multiple in silico tools or highly conserved with a major amino acid change. (SP) 0600 - Variant is located in the annotated Succ_DH_flav_C domain (DECIPHER). (I) 0708 - Another missense variant comparable to the one identified in this case has conflicting previous evidence of pathogenicity. The p.(Arg554Gln) variant has been classified as a VUS, likely benign and benign in clinical cases in ClinVar. (I) 0801 - This variant has strong previous evidence of pathogenicity in unrelated individuals. The variant has been identified as homozygous in two sisters diagnosed with Leigh syndrome (PMID: 7550341, PMID: 33162331). The variant has also been classified as likely pathogenic and a VUS in clinical cases in ClinVar. (SP) 0906 - Segregation evidence for this variant is inconclusive. The variant has been shown to segregate in one family with two affected siblings (PMID: 7550341). (I) 1002 - This variant has moderate functional evidence supporting abnormal protein function. Complex II deficiency was shown in muscle, skin fibroblasts and lymphocytes from patient samples, as well as a deleterious effect on the catalytic activity of the SDH protein in yeast (PMID: 7550341, PMID: 20489732). (SP) 1208 - Inheritance information for this variant is not currently available in this individual. (I) Legend: (SP) - Supporting pathogenic, (I) - Information, (SB) - Supporting benign

Genetic Services Laboratory, University of Chicago
Classification: Likely pathogenic. Last evaluated: 2019-10-02. Review status: criteria provided, single submitter. Criteria: ACMG Guidelines, 2015. Collection method: clinical testing. Allele origin: germline. Affected: yes.
Comment: DNA sequence analysis of the SDHA gene demonstrated a sequence change, c.1660C>T, in exon 12 that results in an amino acid change, p.Arg554Trp. The p.Arg554Trp change affects a highly conserved amino acid residue located in a domain of the SDHA protein that is known to be functional. This sequence change has been described in the gnomAD database with a population frequency of 0.014% in the Latino subpopulation (dbSNP rs9809219). The p.Arg554Trp substitution appears to be deleterious using several in-silico pathogenicity prediction tools (SIFT, PolyPhen2, Align GVGD, REVEL).

OMIM
Classification: Pathogenic for MITOCHONDRIAL COMPLEX II DEFICIENCY, NUCLEAR TYPE 1. Last evaluated: 1995-10-01. Review status: no assertion criteria provided. Collection method: literature only. Allele origin: germline. Not counted in ClinVar's aggregate classification.

Laboratory of Medical Genetics Unit, Bambino Gesù Children's Hospital
Classification: Uncertain significance for Diffuse midline glioma, H3 K27-altered. Last evaluated: 2021-02-17. Review status: flagged submission. Criteria: ACMG Guidelines, 2015. Collection method: research. Allele origin: paternal. Affected: yes. Observed: 1 heterozygote. Not counted in ClinVar's aggregate classification.
ClinVar note: Reason: Older and outlier claim with insufficient supporting evidence

Literature cited by the submitters: PubMed 7550341 (cited by 5 submitters); PubMed 16195397 (cited by Labcorp Genetics (formerly Invitae), Labcorp and Institute for Genomic Medicine (IGM) Clinical Laboratory, Nationwide Children's Hospital); PubMed 20489732 (cited by 5 submitters); PubMed 22677546 (cited by 3 submitters); PubMed 1492653 (cited by Ambry Genetics and OMIM); PubMed 34286374 (cited by Ambry Genetics); PubMed 33960148 (cited by Women's Health and Genetics/Laboratory Corporation of America, LabCorp); PubMed 39321216 (cited by Women's Health and Genetics/Laboratory Corporation of America, LabCorp); PubMed 29978154 (cited by Victorian Clinical Genetics Services, Murdoch Childrens Research Institute); PubMed 33162331 (cited by Victorian Clinical Genetics Services, Murdoch Childrens Research Institute).